The following is an entry in ClinVar:

ClinVar aggregate classification (germline): Pathogenic (1 of 4 stars; one submission).

Submission:

Quest Diagnostics Nichols Institute San Juan Capistrano
Classification: Pathogenic. Last evaluated: 2023-10-19. Review status: criteria provided, single submitter. Criteria: ACMG/ClinGen CNV Guidelines, 2019. Collection method: clinical testing. Allele origin: unknown.
Comment: This terminal deletion of 5p contains the region associated with Cri-du-chat syndrome (ISCA-37390; OMIM 123450; Ajitkumar et al., StatPearls. [2022 Oct 25]. PMID: 29494067, Zhang et al., Am J Hum Genet. 2005 Feb;76(2):312-26. PMID: 15635506). Thus, this CNV is classified as pathogenic.

GRCh37/hg19 5p15.33-15.1(chr5:113577-16952167)x1

Genes: ADAMTS16 (ADAM metallopeptidase with thrombospondin type 1 motif 16; plus strand), ADCY2 (adenylate cyclase 2; plus strand), AHRR (aryl hydrocarbon receptor repressor; plus strand), ANKH (ANKH inorganic pyrophosphate transport regulator; minus strand), ANKRD33B (ankyrin repeat domain 33B; plus strand) and 57 more. Cytogenetic location: 5p15.33-15.1.
Variant type: copy number loss.
Change: copy number 1 (one copy instead of two) of chr5:113,577-16,952,167 (16.84 Mb, GRCh37 coordinates, 1-based), cytogenetic band 5p15.33-15.1.
Identifiers: ClinVar variation 1340533 (VCV001340533.1).